The following is an entry in ClinVar:

NM_152618.3(BBS12):c.241T>C (p.Tyr81His)

Gene: BBS12 (Bardet-Biedl syndrome 12; plus strand). Cytogenetic location: 4q27.
Variant type: single nucleotide variant.
Coding change: c.241T>C on transcript NM_152618.3 (MANE Select); coding-DNA position 241, T replaced by C.
Protein change: p.Tyr81His; replaces tyrosine 81 with histidine.
Molecular consequence: missense variant.
Genome position (GRCh38, 1-based): chr4:122,742,133, T>C. VCF-style: chr4-122742133-T-C. GRCh37 (hg19) VCF-style: chr4-123663288-T-C.
Other names: c.241T>C (NM_152618.2); c.241T>C, p.Tyr81His (NM_001178007.2); short protein forms Y81H.
Identifiers: ClinVar variation 2050594 (VCV002050594.7), dbSNP rs768973035, ClinGen allele CA3069264.

ClinVar aggregate classification (germline): Uncertain significance. Review status: criteria provided, multiple submitters, no conflicts (2 of 4 stars). 4 submissions from 4 submitters: Uncertain significance (4). Last evaluated 2026-07-31.

Conditions:
Bardet-Biedl syndrome (BBS). Identifiers: Orphanet 110, MedGen C0752166, MONDO:0015229.
BBS12-related disorder. Also called: BBS12-related condition.
Inborn genetic diseases. Identifiers: MedGen C0950123, MeSH D030342.
Bardet-Biedl syndrome 12 (BBS12). Identifiers: Orphanet 110, MedGen C1859570, MONDO:0014440, OMIM 615989.

Allele frequency attached by ClinVar (database versions not stated): gnomAD 0.00001; ExAC 0.00002; gnomAD exomes 0.00002; TOPMed 0.00002.
gnomAD v4.1: 34 of 1,613,964 alleles (0.0021%); highest among the groups gnomAD compares: Middle Eastern, 0.016%; no homozygotes.

Submissions (4):

PreventionGenetics, part of Exact Sciences
Classification: Uncertain significance for BBS12-related condition. Last evaluated: 2026-07-31. Review status: criteria provided, single submitter. Criteria: ACMG Guidelines, 2015. Collection method: clinical testing. Allele origin: germline.
Comment: The BBS12 c.241T>C variant is predicted to result in the amino acid substitution p.Tyr81His. To our knowledge, this variant has not been reported in the literature. This variant is reported in 0.0035% of alleles in individuals of European (Non-Finnish) descent in gnomAD. At this time, the clinical significance of this variant is uncertain due to the absence of conclusive functional and genetic evidence.

Ambry Genetics
Classification: Uncertain significance for Inborn genetic diseases. Last evaluated: 2025-08-28. Review status: criteria provided, single submitter. Criteria: Ambry Variant Classification Scheme 2023. Collection method: clinical testing. Allele origin: germline.

Labcorp Genetics (formerly Invitae), Labcorp
Classification: Uncertain significance for Bardet-Biedl syndrome. Last evaluated: 2022-10-13. Review status: criteria provided, single submitter. Criteria: Invitae Variant Classification Sherloc (09022015). Collection method: clinical testing. Allele origin: germline.
Comment: This sequence change replaces tyrosine, which is neutral and polar, with histidine, which is basic and polar, at codon 81 of the BBS12 protein (p.Tyr81His). This variant is present in population databases (rs768973035, gnomAD 0.004%). This variant has not been reported in the literature in individuals affected with BBS12-related conditions. Advanced modeling of protein sequence and biophysical properties (such as structural, functional, and spatial information, amino acid conservation, physicochemical variation, residue mobility, and thermodynamic stability) performed at Invitae indicates that this missense variant is not expected to disrupt BBS12 protein function. In summary, the available evidence is currently insufficient to determine the role of this variant in disease. Therefore, it has been classified as a Variant of Uncertain Significance.

New York Genome Center
Classification: Uncertain significance for Bardet-Biedl syndrome 12. Last evaluated: 2022-03-18. Review status: criteria provided, single submitter. Criteria: NYGC Assertion Criteria 2020. Collection method: clinical testing. Allele origin: germline. Observed: 1 heterozygote.